The following is an entry in ClinVar:

NM_024101.7(MLPH):c.97G>A (p.Glu33Lys)

Gene: MLPH (melanophilin; plus strand). Cytogenetic location: 2q37.3.
Variant type: single nucleotide variant.
Coding change: c.97G>A on transcript NM_024101.7 (MANE Select); coding-DNA position 97, G replaced by A.
Protein change: p.Glu33Lys; replaces glutamic acid 33 with lysine.
Molecular consequence: missense variant. On other transcripts: non-coding transcript variant (1).
Genome position (GRCh38, 1-based): chr2:237,493,523, G>A. VCF-style: chr2-237493523-G-A. GRCh37 (hg19) VCF-style: chr2-238402166-G-A.
Other names: c.97G>A, p.Glu33Lys (NM_001042467.3, NM_001281473.2, NM_001281474.2); c.97G>A (NM_024101.5); short protein forms E33K.
Identifiers: ClinVar variation 1387261 (VCV001387261.6), dbSNP rs150059253, ClinGen allele CA2190036.

ClinVar aggregate classification (germline): Uncertain significance. Review status: criteria provided, multiple submitters, no conflicts (2 of 4 stars). 2 submissions from 2 submitters: Uncertain significance (2). Last evaluated 2025-07-04.

Conditions:
Inborn genetic diseases. Identifiers: MedGen C0950123, MeSH D030342.

Allele frequency attached by ClinVar (database versions not stated): gnomAD exomes 0.00009; ExAC 0.00012; 1000 Genomes Project 30x 0.00016; 1000 Genomes Project 0.00020; TOPMed 0.00035; gnomAD 0.00037 and 0.00042; ESP Exome Variant Server 0.00054.

Submissions (2):

Labcorp Genetics (formerly Invitae), Labcorp
Classification: Uncertain significance. Last evaluated: 2025-07-04. Review status: criteria provided, single submitter. Criteria: Invitae Variant Classification Sherloc (09022015). Collection method: clinical testing. Allele origin: germline.
Comment: This sequence change replaces glutamic acid, which is acidic and polar, with lysine, which is basic and polar, at codon 33 of the MLPH protein (p.Glu33Lys). This variant is present in population databases (rs150059253, gnomAD 0.1%). This variant has not been reported in the literature in individuals affected with MLPH-related conditions. ClinVar contains an entry for this variant (Variation ID: 1387261). Invitae Evidence Modeling of protein sequence and biophysical properties (such as structural, functional, and spatial information, amino acid conservation, physicochemical variation, residue mobility, and thermodynamic stability) indicates that this missense variant is expected to disrupt MLPH protein function with a positive predictive value of 80%. In summary, the available evidence is currently insufficient to determine the role of this variant in disease. Therefore, it has been classified as a Variant of Uncertain Significance.

Ambry Genetics
Classification: Uncertain significance for Inborn genetic diseases. Last evaluated: 2024-11-16. Review status: criteria provided, single submitter. Criteria: Ambry Variant Classification Scheme 2023. Collection method: clinical testing. Allele origin: germline.